The following is an entry in ClinVar:

ClinVar aggregate classification (germline): Pathogenic (1 of 4 stars; one submission).

Conditions:
Cortical dysplasia-focal epilepsy syndrome (PTHSL1). Also called: Pitt-Hopkins-like syndrome 1. Identifiers: Orphanet 163681, Orphanet 221150, MedGen C2750246, MONDO:0012400, OMIM 610042.

Allele frequency attached by ClinVar (database versions not stated): ExAC 0.00001.
gnomAD v4.1: 1 of 1,614,038 alleles (0.000062%); highest among the groups gnomAD compares: Non-Finnish European, 0.000085%; no homozygotes.

Submission:

Labcorp Genetics (formerly Invitae), Labcorp
Classification: Pathogenic for Cortical dysplasia-focal epilepsy syndrome. Last evaluated: 2023-11-21. Review status: criteria provided, single submitter. Criteria: Invitae Variant Classification Sherloc (09022015). Collection method: clinical testing. Allele origin: germline.
Comment: This sequence change creates a premature translational stop signal (p.Trp134*) in the CNTNAP2 gene. It is expected to result in an absent or disrupted protein product. Loss-of-function variants in CNTNAP2 are known to be pathogenic (PMID: 19896112, 21827697, 25045150, 26843181, 27439707). This variant is present in population databases (rs761596436, gnomAD 0.0009%). This variant has not been reported in the literature in individuals affected with CNTNAP2-related conditions. Algorithms developed to predict the effect of sequence changes on RNA splicing suggest that this variant may disrupt the consensus splice site. For these reasons, this variant has been classified as Pathogenic.

Literature cited by the submitters: PubMed 19896112; PubMed 21827697; PubMed 25045150; PubMed 26843181; PubMed 27439707.

NM_014141.6(CNTNAP2):c.402G>A (p.Trp134Ter)

Gene: CNTNAP2 (contactin associated protein 2; plus strand). Cytogenetic location: 7q35.
Variant type: single nucleotide variant.
Coding change: c.402G>A on transcript NM_014141.6 (MANE Select); coding-DNA position 402, G replaced by A.
Protein change: p.Trp134Ter; replaces tryptophan 134 with a stop codon.
Molecular consequence: nonsense.
Genome position (GRCh38, 1-based): chr7:146,839,904, G>A. VCF-style: chr7-146839904-G-A. GRCh37 (hg19) VCF-style: chr7-146536996-G-A.
Other names: short protein forms W134*.
Identifiers: ClinVar variation 2766373 (VCV002766373.3), dbSNP rs761596436, ClinGen allele CA4545757.